The following is an entry in ClinVar:

NM_004304.5(ALK):c.3604G>C (p.Gly1202Arg)

Gene: ALK (ALK receptor tyrosine kinase; minus strand). Cytogenetic location: 2p23.2.
Variant type: single nucleotide variant.
Coding change: c.3604G>C on transcript NM_004304.5 (MANE Select); coding-DNA position 3604, G replaced by C.
Protein change: p.Gly1202Arg; replaces glycine 1202 with arginine.
Molecular consequence: missense variant.
Genome position (GRCh38, 1-based): chr2:29,220,747, C>G on the plus strand (G>C on the coding strand, the complement: ALK is on the minus strand). VCF-style: chr2-29220747-C-G. GRCh37 (hg19) VCF-style: chr2-29443613-C-G.
Other names: c.400G>C, p.Gly134Arg (NM_001353765.2); short protein forms G134R, G1202R.
Identifiers: ClinVar variation 2566583 (VCV002566583.5), dbSNP rs1057519783, ClinGen allele CA346473027.
Genomic context (GRCh38, chr2:29,220,747, plus strand): 5'-AAGACTGGTTCTCACTCACCGGGCGAGGGCGGGTCTCTCGGAGGAAGGACTTGAGGTCTC[C>G]CCCCGCCATGAGCTCCAGCAGGATGAACCGGGGCAGGGATTGCAGGCTCACCCCAATGCA-3'
Protein context (NP_004295.2, residues 1192-1212): RFILLELMAG[Gly1202Arg]DLKSFLRETR

ClinVar aggregate classification (germline): Uncertain significance. Review status: criteria provided, multiple submitters, no conflicts (2 of 4 stars). 2 submissions from 2 submitters: Uncertain significance (2). Last evaluated 2023-10-19.

Conditions:
Hereditary cancer-predisposing syndrome. Also called: Neoplastic Syndromes, Hereditary; Hereditary Cancer Syndrome; Tumor predisposition; Hereditary neoplastic syndrome. Identifiers: Orphanet 140162, MedGen C0027672, MeSH D009386, MONDO:0015356.
Neuroblastoma, susceptibility to, 3. Also called: ALK-Related Neuroblastic Tumor Susceptibility. Identifiers: Orphanet 635, MedGen C2751681, MONDO:0013083, OMIM 613014.

Submissions (2):

Labcorp Genetics (formerly Invitae), Labcorp
Classification: Uncertain significance for Neuroblastoma, susceptibility to, 3. Last evaluated: 2023-10-19. Review status: criteria provided, single submitter. Criteria: Invitae Variant Classification Sherloc (09022015). Collection method: clinical testing. Allele origin: germline.
Comment: This sequence change replaces glycine, which is neutral and non-polar, with arginine, which is basic and polar, at codon 1202 of the ALK protein (p.Gly1202Arg). This variant is not present in population databases (gnomAD no frequency). This variant has not been reported in the literature in individuals affected with ALK-related conditions. ClinVar contains an entry for this variant (Variation ID: 2566583). An algorithm developed to predict the effect of missense changes on protein structure and function (PolyPhen-2) suggests that this variant is likely to be disruptive. In summary, the available evidence is currently insufficient to determine the role of this variant in disease. Therefore, it has been classified as a Variant of Uncertain Significance.

Ambry Genetics
Classification: Uncertain significance for Hereditary cancer-predisposing syndrome. Last evaluated: 2023-05-10. Review status: criteria provided, single submitter. Criteria: Ambry Variant Classification Scheme 2023. Collection method: clinical testing. Allele origin: germline.
Comment: The p.G1202R variant (also known as c.3604G>C), located in coding exon 23 of the ALK gene, results from a G to C substitution at nucleotide position 3604. The glycine at codon 1202 is replaced by arginine, an amino acid with dissimilar properties. This amino acid position is highly conserved in available vertebrate species. In addition, this alteration is predicted to be deleterious by in silico analysis. Since supporting evidence is limited at this time, the clinical significance of this alteration remains unclear.